The following is an entry in ClinVar:

ClinVar aggregate classification (germline): Likely benign (1 of 4 stars; one submission).

Allele frequency attached by ClinVar (database versions not stated): ExAC 0.00003; TOPMed 0.00007; gnomAD 0.00008; gnomAD exomes 0.00013; ESP Exome Variant Server 0.00015.

Submission:

CeGaT Center for Human Genetics Tuebingen
Classification: Likely benign. Last evaluated: 2022-04-01. Review status: criteria provided, single submitter. Criteria: CeGaT Center For Human Genetics Tuebingen Variant Classification Criteria Version 2. Collection method: clinical testing. Allele origin: germline. Affected: yes. Observed: 1 variant allele.
Comment: ZNF507: BP4, BP7

NM_001136156.2(ZNF507):c.2799C>T (p.His933=)

Gene: ZNF507 (zinc finger protein 507; plus strand). Cytogenetic location: 19q13.11.
Variant type: single nucleotide variant.
Coding change: c.2799C>T on transcript NM_001136156.2 (MANE Select); coding-DNA position 2799, C replaced by T.
Protein change: p.His933=; no amino-acid change (histidine 933 retained).
Molecular consequence: synonymous variant.
Genome position (GRCh38, 1-based): chr19:32,383,020, C>T. VCF-style: chr19-32383020-C-T. GRCh37 (hg19) VCF-style: chr19-32873926-C-T.
Other names: c.2799C>T, p.His933= (NM_014910.5).
Identifiers: ClinVar variation 2649681 (VCV002649681.24), dbSNP rs375411912, ClinGen allele CA9355210.